The following is an entry in ClinVar:

NM_000283.4(PDE6B):c.272G>A (p.Arg91His)

Gene: PDE6B (phosphodiesterase 6B; plus strand). Cytogenetic location: 4p16.3.
Variant type: single nucleotide variant.
Coding change: c.272G>A on transcript NM_000283.4 (MANE Select); coding-DNA position 272, G replaced by A.
Protein change: p.Arg91His; replaces arginine 91 with histidine.
Molecular consequence: missense variant.
Genome position (GRCh38, 1-based): chr4:625,898, G>A. VCF-style: chr4-625898-G-A. GRCh37 (hg19) VCF-style: chr4-619687-G-A.
Other names: c.272G>A, p.Arg91His (NM_001145291.2); short protein forms R91H.
Identifiers: ClinVar variation 1522187 (VCV001522187.7), dbSNP rs142736367, ClinGen allele CA2793896.

ClinVar aggregate classification (germline): Uncertain significance. Review status: criteria provided, multiple submitters, no conflicts (2 of 4 stars). 2 submissions from 2 submitters: Uncertain significance (2). Last evaluated 2024-04-30.

Allele frequency attached by ClinVar (database versions not stated): ExAC 0.00003; gnomAD exomes 0.00003 and 0.00004; gnomAD 0.00007 and 0.00008; ESP Exome Variant Server 0.00008; TOPMed 0.00011.
gnomAD v4.1: 52 of 1,603,276 alleles (0.0032%); highest among the groups gnomAD compares: African/African-American, 0.008%; no homozygotes.

Submissions (2):

Blueprint Genetics
Classification: Uncertain significance. Last evaluated: 2024-04-30. Review status: criteria provided, single submitter. Criteria: ACMG Guidelines, 2015. Collection method: clinical testing. Allele origin: germline.

Labcorp Genetics (formerly Invitae), Labcorp
Classification: Uncertain significance. Last evaluated: 2022-11-07. Review status: criteria provided, single submitter. Criteria: Invitae Variant Classification Sherloc (09022015). Collection method: clinical testing. Allele origin: germline.
Comment: Advanced modeling of protein sequence and biophysical properties (such as structural, functional, and spatial information, amino acid conservation, physicochemical variation, residue mobility, and thermodynamic stability) has been performed at Invitae for this missense variant, however the output from this modeling did not meet the statistical confidence thresholds required to predict the impact of this variant on PDE6B protein function. In summary, the available evidence is currently insufficient to determine the role of this variant in disease. Therefore, it has been classified as a Variant of Uncertain Significance. ClinVar contains an entry for this variant (Variation ID: 1522187). This variant has not been reported in the literature in individuals affected with PDE6B-related conditions. This variant is present in population databases (rs142736367, gnomAD 0.007%). This sequence change replaces arginine, which is basic and polar, with histidine, which is basic and polar, at codon 91 of the PDE6B protein (p.Arg91His).